The following is an entry in ClinVar:

ClinVar aggregate classification (germline): Uncertain significance (1 of 4 stars; one submission).

gnomAD v4.1: 1 of 1,614,192 alleles (0.000062%); highest among the groups gnomAD compares: Non-Finnish European, 0.000085%; no homozygotes.

Submission:

Labcorp Genetics (formerly Invitae), Labcorp
Classification: Uncertain significance. Last evaluated: 2023-03-17. Review status: criteria provided, single submitter. Criteria: Invitae Variant Classification Sherloc (09022015). Collection method: clinical testing. Allele origin: germline.
Comment: In summary, the available evidence is currently insufficient to determine the role of this variant in disease. Therefore, it has been classified as a Variant of Uncertain Significance. An algorithm developed to predict the effect of missense changes on protein structure and function (PolyPhen-2) suggests that this variant is likely to be tolerated. This variant has not been reported in the literature in individuals affected with SLCO5A1-related conditions. This variant is present in population databases (no rsID available, gnomAD 0.0009%). This sequence change replaces proline, which is neutral and non-polar, with leucine, which is neutral and non-polar, at codon 822 of the SLCO5A1 protein (p.Pro822Leu).

NM_030958.3(SLCO5A1):c.2465C>T (p.Pro822Leu)

Gene: SLCO5A1 (solute carrier organic anion transporter family member 5A1; minus strand). Cytogenetic location: 8q13.3.
Variant type: single nucleotide variant.
Coding change: c.2465C>T on transcript NM_030958.3 (MANE Select); coding-DNA position 2465, C replaced by T.
Protein change: p.Pro822Leu; replaces proline 822 with leucine.
Molecular consequence: missense variant. On other transcripts: 3 prime UTR variant (1).
Genome position (GRCh38, 1-based): chr8:69,672,951, G>A on the plus strand (C>T on the coding strand, the complement: SLCO5A1 is on the minus strand). VCF-style: chr8-69672951-G-A. GRCh37 (hg19) VCF-style: chr8-70585186-G-A.
Other names: c.*336C>T (NM_001146008.2); c.2300C>T, p.Pro767Leu (NM_001146009.1); short protein forms P822L, P767L.
Identifiers: ClinVar variation 2800573 (VCV002800573.3), dbSNP rs369446842, ClinGen allele CA371231884.